The following is an entry in ClinVar:

ClinVar aggregate classification (germline): Conflicting classifications of pathogenicity. Review status: criteria provided, conflicting classifications (1 of 4 stars). 3 submissions from 3 submitters: Uncertain significance (1); Likely benign (2). Last evaluated 2024-10-25.

Conditions:
Hereditary cancer-predisposing syndrome. Also called: Hereditary Cancer Syndrome; Neoplastic Syndromes, Hereditary; Tumor predisposition; Hereditary neoplastic syndrome. Identifiers: Orphanet 140162, MedGen C0027672, MeSH D009386, MONDO:0015356.

Allele frequency attached by ClinVar (database versions not stated): gnomAD exomes below 0.00001; ExAC 0.00001.
gnomAD v4.1: 2 of 1,613,832 alleles (0.00012%); highest among the groups gnomAD compares: East Asian, 0.0022%; no homozygotes.

Submissions (3):

Ambry Genetics
Classification: Likely benign for Hereditary cancer-predisposing syndrome. Last evaluated: 2024-10-25. Review status: criteria provided, single submitter. Criteria: Ambry Variant Classification Scheme 2023. Collection method: clinical testing. Allele origin: germline.

Quest Diagnostics Nichols Institute San Juan Capistrano
Classification: Uncertain significance. Last evaluated: 2024-01-31. Review status: criteria provided, single submitter. Criteria: Quest Diagnostics criteria. Collection method: clinical testing. Allele origin: unknown.
Comment: The RAD50 c.2478A>G (p.Gln826=) synonymous variant has not been reported in individuals with RAD50-related conditions in the published literature. The frequency of this variant in the general population, 0.000004 (1/251216 chromosomes (Genome Aggregation Database)), is uninformative in the assessment of its pathogenicity. Analysis of this variant using software algorithms for the prediction of the effect of nucleotide changes on splicing yielded predictions that this variant does not affect RAD50 mRNA splicing. Based on the available information, we are unable to determine the clinical significance of this variant.

Labcorp Genetics (formerly Invitae), Labcorp
Classification: Likely benign for Hereditary cancer-predisposing syndrome. Last evaluated: 2023-10-27. Review status: criteria provided, single submitter. Criteria: Invitae Variant Classification Sherloc (09022015). Collection method: clinical testing. Allele origin: germline.

NM_005732.4(RAD50):c.2478A>G (p.Gln826=)

Gene: RAD50 (RAD50 double strand break repair protein; plus strand). Cytogenetic location: 5q31.1.
Variant type: single nucleotide variant.
Coding change: c.2478A>G on transcript NM_005732.4 (MANE Select); coding-DNA position 2478, A replaced by G.
Protein change: p.Gln826=; no amino-acid change (glutamine 826 retained).
Molecular consequence: synonymous variant.
Genome position (GRCh38, 1-based): chr5:132,604,000, A>G. VCF-style: chr5-132604000-A-G. GRCh37 (hg19) VCF-style: chr5-131939692-A-G.
Other names: c.2478A>G (NM_005732.3).
Identifiers: ClinVar variation 2795721 (VCV002795721.5), dbSNP rs779507601, ClinGen allele CA3405398.
Genomic context (GRCh38, chr5:132,604,000, plus strand): 5'-AAGAAAAATTGCACAACAAGCAGCTAAGCTACAAGGAATAGACTTAGATCGAACTGTCCA[A>G]CAAGTCAACCAGGAGAAACAAGAGAAACAGCACAAGTTAGACACAGGTAATACAGTCTGT-3'
Protein context (NP_005723.2, residues 816-836): LQGIDLDRTV[Gln826=]QVNQEKQEKQ